The following is an entry in ClinVar:

ClinVar aggregate classification (germline): Benign. Review status: criteria provided, single submitter (1 of 4 stars). 2 submissions from 2 submitters: Benign (1). 1 of the submissions does not count toward it. Last evaluated 2026-05-01.

Conditions:
NFASC-related disorder. Also called: NFASC-related condition.

Allele frequency attached by ClinVar (database versions not stated): TOPMed 0.00306; 1000 Genomes Project 0.00359; 1000 Genomes Project 30x 0.00375; ESP Exome Variant Server 0.00454; gnomAD 0.00472; ExAC 0.00636.
gnomAD v4.1: 8,619 of 1,614,004 alleles (0.53%); highest among the groups gnomAD compares: South Asian, 1.5%; 62 homozygotes.

Submissions (2):

CeGaT Center for Human Genetics Tuebingen
Classification: Benign. Last evaluated: 2026-05-01. Review status: criteria provided, single submitter. Criteria: CeGaT Center For Human Genetics Tuebingen Variant Classification Criteria Version 2. Collection method: clinical testing. Allele origin: germline. Affected: yes. Observed: 19 variant alleles.
Comment: NFASC: BP4, BP7, BS1, BS2

PreventionGenetics, part of Exact Sciences
Classification: Benign for NFASC-related condition. Last evaluated: 2019-04-03. Review status: no assertion criteria provided. Collection method: clinical testing. Allele origin: germline. Not counted in ClinVar's aggregate classification.
Comment: This variant is classified as benign based on ACMG/AMP sequence variant interpretation guidelines (Richards et al. 2015 PMID: 25741868, with internal and published modifications).

NM_001005388.3(NFASC):c.3690G>A (p.Thr1230=)

Gene: NFASC (neurofascin; plus strand). Cytogenetic location: 1q32.1.
Variant type: single nucleotide variant.
Coding change: c.3690G>A on transcript NM_001005388.3 (MANE Select); coding-DNA position 3690, G replaced by A.
Protein change: p.Thr1230=; no amino-acid change (threonine 1230 retained).
Molecular consequence: synonymous variant.
Genome position (GRCh38, 1-based): chr1:205,016,506, G>A. VCF-style: chr1-205016506-G-A. GRCh37 (hg19) VCF-style: chr1-204985634-G-A.
Other names: c.3690G>A (NM_001005388.2); c.3537G>A, p.Thr1179= (NM_001160331.2); c.3492G>A, p.Thr1164= (NM_001160332.2); c.3156G>A, p.Thr1052= (NM_001365986.1); c.4011G>A, p.Thr1337= (NM_001378329.1); c.3477G>A, p.Thr1159= (NM_015090.4).
Identifiers: ClinVar variation 2570750 (VCV002570750.28), dbSNP rs143897854, ClinGen allele CA1350874.